The following is an entry in ClinVar:

ClinVar aggregate classification (germline): Uncertain significance (1 of 4 stars; one submission).

Conditions:
Ataxia-telangiectasia syndrome (AT). Also called: LOUIS-BAR SYNDROME; AT, COMPLEMENTATION GROUP C; ATAXIA-TELANGIECTASIA, COMPLEMENTATION GROUP A; ATAXIA-TELANGIECTASIA, FRESNO VARIANT; Ataxia-telangiectasia; Cerebello-oculocutaneous telangiectasia. Identifiers: Orphanet 100, MedGen C0004135, MONDO:0008840, OMIM 208900.

Submission:

Labcorp Genetics (formerly Invitae), Labcorp
Classification: Uncertain significance for Ataxia-telangiectasia syndrome. Last evaluated: 2023-09-20. Review status: criteria provided, single submitter. Criteria: Invitae Variant Classification Sherloc (09022015). Collection method: clinical testing. Allele origin: germline.
Comment: This sequence change replaces cysteine, which is neutral and slightly polar, with glycine, which is neutral and non-polar, at codon 786 of the ATM protein (p.Cys786Gly). This variant is not present in population databases (gnomAD no frequency). This variant has not been reported in the literature in individuals affected with ATM-related conditions. An algorithm developed to predict the effect of missense changes on protein structure and function (PolyPhen-2) suggests that this variant is likely to be tolerated. In summary, the available evidence is currently insufficient to determine the role of this variant in disease. Therefore, it has been classified as a Variant of Uncertain Significance.

NM_000051.4(ATM):c.2356T>G (p.Cys786Gly)

Gene: ATM (ATM serine/threonine kinase; plus strand). Cytogenetic location: 11q22.3.
Variant type: single nucleotide variant.
Coding change: c.2356T>G on transcript NM_000051.4 (MANE Select); coding-DNA position 2356, T replaced by G.
Protein change: p.Cys786Gly; replaces cysteine 786 with glycine.
Molecular consequence: missense variant.
Genome position (GRCh38, 1-based): chr11:108,257,586, T>G. VCF-style: chr11-108257586-T-G. GRCh37 (hg19) VCF-style: chr11-108128313-T-G.
Other names: c.2356T>G, p.Cys786Gly (NM_001351834.2); short protein forms C786G.
Identifiers: ClinVar variation 2762049 (VCV002762049.3), dbSNP rs1565397441, ClinGen allele CA382540301.